The following is an entry in ClinVar:

ClinVar aggregate classification (germline): Pathogenic/Likely pathogenic. Review status: criteria provided, multiple submitters, no conflicts (2 of 4 stars). 2 submissions from 2 submitters: Pathogenic (1); Likely pathogenic (1). Last evaluated 2023-12-02.

Conditions:
Retinitis pigmentosa 39 (RP39). Identifiers: Orphanet 791, MedGen C3151138, MONDO:0013436, OMIM 613809.

Submissions (2):

Labcorp Genetics (formerly Invitae), Labcorp
Classification: Pathogenic. Last evaluated: 2023-12-02. Review status: criteria provided, single submitter. Criteria: Invitae Variant Classification Sherloc (09022015). Collection method: clinical testing. Allele origin: germline.
Comment: This sequence change creates a premature translational stop signal (p.Cys643Serfs*4) in the USH2A gene. It is expected to result in an absent or disrupted protein product. Loss-of-function variants in USH2A are known to be pathogenic (PMID: 10729113, 10909849, 20507924, 25649381). This variant is not present in population databases (gnomAD no frequency). This variant has not been reported in the literature in individuals affected with USH2A-related conditions. For these reasons, this variant has been classified as Pathogenic.

Baylor Genetics
Classification: Likely pathogenic for Retinitis pigmentosa 39. Last evaluated: 2023-01-01. Review status: criteria provided, single submitter. Criteria: ACMG Guidelines, 2015. Collection method: clinical testing. Allele origin: unknown.

Literature cited by the submitters: PubMed 10729113 (cited by Labcorp Genetics (formerly Invitae), Labcorp); PubMed 10909849 (cited by Labcorp Genetics (formerly Invitae), Labcorp); PubMed 20507924 (cited by Labcorp Genetics (formerly Invitae), Labcorp); PubMed 25649381 (cited by Labcorp Genetics (formerly Invitae), Labcorp).

NM_206933.4(USH2A):c.1927_1934del (p.Cys643fs)

Gene: USH2A (usherin; minus strand). Cytogenetic location: 1q41.
Variant type: Deletion.
Coding change: c.1927_1934del on transcript NM_206933.4 (MANE Select); coding-DNA positions 1927 to 1934, 8 bases deleted (TGTGATAC; older notation c.1927_1934delTGTGATAC).
Protein change: p.Cys643fs; shifts the reading frame from cysteine 643.
Molecular consequence: frameshift variant.
Genome position (GRCh38, 1-based): chr1:216,289,317-216,289,324, GTATCACA deleted on the plus strand (TGTGATAC on the coding strand, the reverse complement: USH2A is on the minus strand); deleting any 8 consecutive bases within chr1:216,289,317-216,289,326 gives the same sequence; the c. name uses the placement nearest the transcript's 3' end. VCF-style (leftmost placement, unchanged base first): chr1-216289316-TGTATCACA-T. GRCh37 (hg19) VCF-style: chr1-216462658-TGTATCACA-T.
Other names: c.1927_1934del, p.Cys643fs (NM_007123.6); short protein forms C643fs.
Identifiers: ClinVar variation 2679544 (VCV002679544.4), dbSNP rs2528250368, ClinGen allele CA2695200012.
Genomic context (GRCh38, chr1:216,289,316, plus strand): 5'-CCTTAAATACTCAGAAAAACTCACCTGATCACAAAGAATGCTACCATTTCTAGTGCCAAC[TGTATCACA>T]GTCACAGGGTTTGCAAACATCTATGGCCGAAGGATCTGCACCAACTTGTCGGAAAAAGTA-3'